The following is an entry in ClinVar:

NM_000059.4(BRCA2):c.8720C>T (p.Ala2907Val)

Gene: BRCA2 (BRCA2 DNA repair associated; plus strand). Cytogenetic location: 13q13.1.
Variant type: single nucleotide variant.
Coding change: c.8720C>T on transcript NM_000059.4 (MANE Select); coding-DNA position 8720, C replaced by T.
Protein change: p.Ala2907Val; replaces alanine 2907 with valine.
Molecular consequence: missense variant. On other transcripts: non-coding transcript variant (1).
Genome position (GRCh38, 1-based): chr13:32,376,757, C>T. VCF-style: chr13-32376757-C-T. GRCh37 (hg19) VCF-style: chr13-32950894-C-T.
Other names: c.8624C>T, p.Ala2875Val (NM_001406719.1); c.8720C>T, p.Ala2907Val (NM_001406720.1); c.3788C>T, p.Ala1263Val (NM_001406721.1); c.2303C>T, p.Ala768Val (NM_001406722.1); short protein forms A768V, A2875V, A1263V, A2907V.
Identifiers: ClinVar variation 2585620 (VCV002585620.3), dbSNP rs2137613231, ClinGen allele CA387754957.

ClinVar aggregate classification (germline): Uncertain significance. Review status: criteria provided, multiple submitters, no conflicts (2 of 4 stars). 2 submissions from 2 submitters: Uncertain significance (2). Last evaluated 2024-12-26.

Conditions:
Hereditary breast ovarian cancer syndrome. Also called: Hereditary breast and/or ovarian cancer syndrome; Hereditary breast and ovarian cancer; Hereditary breast and ovarian cancer syndrome; Hereditary breast and ovarian cancer syndrome (HBOC); Breast and ovarian cancer; BRCA1- and BRCA2-Associated Hereditary Breast and Ovarian Cancer. Identifiers: Orphanet 145, MedGen C0677776, MeSH D061325, MONDO:0003582. Disease mechanism: loss of function.
Breast-ovarian cancer, familial, susceptibility to, 2 (BROVCA2). Also called: BRCA2 Hereditary Breast and Ovarian Cancer. Identifiers: Orphanet 145, MedGen C2675520, MONDO:0012933, OMIM 612555. Disease mechanism: loss of function.

Submissions (2):

Labcorp Genetics (formerly Invitae), Labcorp
Classification: Uncertain significance for Hereditary breast ovarian cancer syndrome. Last evaluated: 2024-12-26. Review status: criteria provided, single submitter. Criteria: Invitae Variant Classification Sherloc (09022015). Collection method: clinical testing. Allele origin: germline.
Comment: This sequence change replaces alanine, which is neutral and non-polar, with valine, which is neutral and non-polar, at codon 2907 of the BRCA2 protein (p.Ala2907Val). This variant is not present in population databases (gnomAD no frequency). This variant has not been reported in the literature in individuals affected with BRCA2-related conditions. ClinVar contains an entry for this variant (Variation ID: 2585620). Invitae Evidence Modeling of protein sequence and biophysical properties (such as structural, functional, and spatial information, amino acid conservation, physicochemical variation, residue mobility, and thermodynamic stability) indicates that this missense variant is not expected to disrupt BRCA2 protein function with a negative predictive value of 95%. In summary, the available evidence is currently insufficient to determine the role of this variant in disease. Therefore, it has been classified as a Variant of Uncertain Significance.

Neuberg Centre For Genomic Medicine, NCGM
Classification: Uncertain significance for Breast-ovarian cancer, familial, susceptibility to, 2. Review status: criteria provided, single submitter. Criteria: ACMG Guidelines, 2015. Collection method: clinical testing. Allele origin: germline. Inheritance: Autosomal dominant inheritance. Affected: yes.
Comment: The missense variant in c.8720C>T (p.Ala2907Val) in BRACA2 gene has not been reported previously as a pathogenic variant nor as a benign variant, to our knowledge. The p.Ala2907Val variant is novel (not in any individuals) in gnomAD Exomes and 1000 Genomes. The amino acid Ala at position 2907 is changed to a Val changing protein sequence and it might alter its composition and physico-chemical properties. The amino acid change p.Ala2907Val in BRCA2 is predicted as conserved by GERP++ and PhyloP across 100 vertebrates. For these reasons, this variant has been classified as Uncertain Significance (VUS).